The following is an entry in ClinVar:

NM_000038.6(APC):c.7447G>A (p.Val2483Ile)

Gene: APC (APC regulator of Wnt signaling pathway; plus strand). Cytogenetic location: 5q22.2.
Variant type: single nucleotide variant.
Coding change: c.7447G>A on transcript NM_000038.6 (MANE Select); coding-DNA position 7447, G replaced by A.
Protein change: p.Val2483Ile; replaces valine 2483 with isoleucine.
Molecular consequence: missense variant.
Genome position (GRCh38, 1-based): chr5:112,843,041, G>A. VCF-style: chr5-112843041-G-A. GRCh37 (hg19) VCF-style: chr5-112178738-G-A.
Other names: c.7447G>A (NM_000038.5); c.7447G>A, p.Val2483Ile (NM_001127510.3, NM_001354895.2); c.7393G>A, p.Val2465Ile (NM_001127511.3); c.7501G>A, p.Val2501Ile (NM_001354896.2); c.7477G>A, p.Val2493Ile (NM_001354897.2); c.7372G>A, p.Val2458Ile (NM_001354898.2); c.7363G>A, p.Val2455Ile (NM_001354899.2); c.7324G>A, p.Val2442Ile (NM_001354900.2); and 6 more; short protein forms V2465I, V2483I, V2323I, V2392I, V2442I, V2200I, V2357I, V2382I.
Identifiers: ClinVar variation 559948 (VCV000559948.5), dbSNP rs1554088371, ClinGen allele CA16037535.

ClinVar aggregate classification (germline): Uncertain significance. Review status: criteria provided, multiple submitters, no conflicts (2 of 4 stars). 3 submissions from 3 submitters: Uncertain significance (2). 1 of the submissions does not count toward it. Last evaluated 2025-12-22.

Conditions:
Hereditary cancer-predisposing syndrome. Also called: Neoplastic Syndromes, Hereditary; Hereditary neoplastic syndrome; Tumor predisposition; Hereditary Cancer Syndrome. Identifiers: Orphanet 140162, MedGen C0027672, MeSH D009386, MONDO:0015356.
Neoplasm of stomach. Also called: Gastric neoplasm; Neoplasm of the stomach; Stomach Neoplasms. Identifiers: MedGen C0038356, MONDO:0021085, HP:0006753. Disease mechanism: gain of function. Inheritance: Somatic mutation.
Classic or attenuated familial adenomatous polyposis. Identifiers: MedGen CN372698, MONDO:0021057.

Submissions (3):

Ambry Genetics
Classification: Uncertain significance for Hereditary cancer-predisposing syndrome. Last evaluated: 2025-12-22. Review status: criteria provided, single submitter. Criteria: Ambry Variant Classification Scheme 2023. Collection method: clinical testing. Allele origin: germline.
Comment: The p.V2483I variant (also known as c.7447G>A), located in coding exon 15 of the APC gene, results from a G to A substitution at nucleotide position 7447. The valine at codon 2483 is replaced by isoleucine, an amino acid with highly similar properties. This amino acid position is conserved. In addition, in silico predictors for this gene do not accurately predict pathogenicity. Based on the available evidence, the clinical significance of this variant remains unclear.

All of Us Research Program, National Institutes of Health
Classification: Uncertain significance for Classic or attenuated familial adenomatous polyposis. Last evaluated: 2024-07-29. Review status: criteria provided, single submitter. Criteria: ACMG Guidelines, 2015. Collection method: clinical testing. Allele origin: germline. Inheritance: Autosomal dominant inheritance. Observed: 1 variant allele, 1 heterozygote.
Comment: This missense variant replaces valine with isoleucine at codon 2483 of the APC protein. Computational prediction suggests that this variant may not impact protein structure and function (internally defined REVEL score threshold <= 0.5, PMID: 27666373). To our knowledge, functional studies have not been reported for this variant. This variant has not been reported in individuals affected with APC-related disorders in the literature. This variant has not been identified in the general population by the Genome Aggregation Database (gnomAD). The available evidence is insufficient to determine the role of this variant in disease conclusively. Therefore, this variant is classified as a Variant of Uncertain Significance.

This study involves interpretation of variants in research participants for the purpose of population health screening. Participant phenotype was not available at the time of variant classification. Additional details can be found in publication PMID: 35346344, PMCID: PMC8962531

3DMed Clinical Laboratory Inc
Classification: Uncertain significance for Neoplasm of stomach. Last evaluated: 2017-04-21. Review status: no assertion criteria provided. Criteria: ACMG Guidelines, 2015. Collection method: clinical testing. Allele origin: germline. Affected: yes. Not counted in ClinVar's aggregate classification.